The following is an entry in ClinVar:

ClinVar aggregate classification (germline): Pathogenic/Likely pathogenic. Review status: criteria provided, multiple submitters, no conflicts (2 of 4 stars). 3 submissions from 3 submitters: Pathogenic (1); Likely pathogenic (2). Last evaluated 2025-12-24.

Conditions:
Finnish congenital nephrotic syndrome (NPHS1). Also called: NEPHROTIC SYNDROME, TYPE 1. Identifiers: Orphanet 839, MedGen C0403399, MONDO:0009732, OMIM 256300.

Allele frequency attached by ClinVar (database versions not stated): gnomAD exomes below 0.00001.
gnomAD v4.1: 1 of 1,610,532 alleles (0.000062%); highest among the groups gnomAD compares: Non-Finnish European, 0.000085%; no homozygotes.

Submissions (3):

Labcorp Genetics (formerly Invitae), Labcorp
Classification: Pathogenic. Last evaluated: 2025-12-24. Review status: criteria provided, single submitter. Criteria: Invitae Variant Classification Sherloc (09022015). Collection method: clinical testing. Allele origin: germline.
Comment: This sequence change creates a premature translational stop signal (p.Gln283*) in the NPHS1 gene. It is expected to result in an absent or disrupted protein product. Loss-of-function variants in NPHS1 are known to be pathogenic (PMID: 11317351, 11854170, 12039988). This variant is not present in population databases (gnomAD no frequency). This variant has not been reported in the literature in individuals affected with NPHS1-related conditions. ClinVar contains an entry for this variant (Variation ID: 2115119). For these reasons, this variant has been classified as Pathogenic.

Illumina Laboratory Services, Illumina
Classification: Likely pathogenic for Finnish congenital nephrotic syndrome. Last evaluated: 2023-09-08. Review status: criteria provided, single submitter. Criteria: ICSLVariantClassificationCriteria RUGD 01 April 2020. Collection method: clinical testing. Allele origin: unknown.
Comment: The NPHS1 c.847C>T (p.Gln283Ter) nonsense variant results in the loss of normal protein function through either protein truncation or nonsense-mediated mRNA decay. To our knowledge, this variant has not been reported in the peer-reviewed literature. This variant is not observed in version 2.1.1 or version 3.1.2 of the Genome Aggregation Database. Based on the available evidence, the c.847C>T (p.Gln283Ter) variant is classified as likely pathogenic for congenital nephrotic syndrome.

Juno Genomics, Hangzhou Juno Genomics, Inc
Classification: Likely pathogenic for Finnish congenital nephrotic syndrome. Review status: criteria provided, single submitter. Criteria: ACMG Guidelines, 2015. Collection method: clinical testing. Allele origin: germline.
Comment: Null variant in a gene where loss of function (LOF) is a known mechanism of disease.;Absent from controls (or at extremely low frequency if recessive) in Genome Aggregation Database.

Literature cited by the submitters: PubMed 11317351 (cited by Labcorp Genetics (formerly Invitae), Labcorp); PubMed 11854170 (cited by Labcorp Genetics (formerly Invitae), Labcorp); PubMed 12039988 (cited by Labcorp Genetics (formerly Invitae), Labcorp).

NM_004646.4(NPHS1):c.847C>T (p.Gln283Ter)

Gene: NPHS1 (NPHS1 adhesion molecule, nephrin; minus strand). Cytogenetic location: 19q13.12.
Variant type: single nucleotide variant.
Coding change: c.847C>T on transcript NM_004646.4 (MANE Select); coding-DNA position 847, C replaced by T.
Protein change: p.Gln283Ter; replaces glutamine 283 with a stop codon.
Molecular consequence: nonsense.
Genome position (GRCh38, 1-based): chr19:35,849,141, G>A on the plus strand (C>T on the coding strand, the complement: NPHS1 is on the minus strand). VCF-style: chr19-35849141-G-A. GRCh37 (hg19) VCF-style: chr19-36340043-G-A.
Other names: short protein forms Q283*.
Identifiers: ClinVar variation 2115119 (VCV002115119.7), dbSNP rs2513778871, ClinGen allele CA405406962.